The following is an entry in ClinVar:

ClinVar aggregate classification (germline): Uncertain significance (1 of 4 stars; one submission).

Submission:

Women's Health and Genetics/Laboratory Corporation of America, LabCorp
Classification: Uncertain significance. Last evaluated: 2017-09-18. Review status: criteria provided, single submitter. Criteria: LabCorp Variant Classification Summary - May 2015. Collection method: clinical testing. Allele origin: germline.
Comment: Variant summary: The c.7984A>G (p.Thr2662Ala) in BRCA2 gene is a missense variant involves a non-conserved nucleotide and 2/4 in silico tools predict benign outcome, however no functional studies supporting these predictions were published at the time of evaluation. The variant is located within the helical functional domain and another alteration of this codon, c.7985C>A (p.T2662K) has been reported as VUS/Likely Pathogenic in ClinVar. The c.7984A>G is absent from the control population datasets of ExAC and gnomAD (116696 and 244984 chrs tested, respectively). To our knowledge, the variant has not been reported in affected individuals via published reports or cited as by reputable databases/clinical laboratories. Taken together, the variant was classified as VUS, until new information becomes available.

NM_000059.4(BRCA2):c.7984A>G (p.Thr2662Ala)

Gene: BRCA2 (BRCA2 DNA repair associated; plus strand). Cytogenetic location: 13q13.1.
Variant type: single nucleotide variant.
Coding change: c.7984A>G on transcript NM_000059.4 (MANE Select); coding-DNA position 7984, A replaced by G.
Protein change: p.Thr2662Ala; replaces threonine 2662 with alanine.
Molecular consequence: missense variant.
Genome position (GRCh38, 1-based): chr13:32,363,186, A>G. VCF-style: chr13-32363186-A-G. GRCh37 (hg19) VCF-style: chr13-32937323-A-G.
Other names: short protein forms T2662A.
Identifiers: ClinVar variation 632707 (VCV000632707.1), dbSNP rs1566245207, ClinGen allele CA387748537.